The following is an entry in ClinVar:

NM_000492.4(CFTR):c.2634G>T (p.Leu878Phe)

Gene: CFTR (CF transmembrane conductance regulator; plus strand). Cytogenetic location: 7q31.2.
Variant type: single nucleotide variant.
Coding change: c.2634G>T on transcript NM_000492.4 (MANE Select); coding-DNA position 2634, G replaced by T.
Protein change: p.Leu878Phe; replaces leucine 878 with phenylalanine.
Molecular consequence: missense variant.
Genome position (GRCh38, 1-based): chr7:117,602,840, G>T. VCF-style: chr7-117602840-G-T. GRCh37 (hg19) VCF-style: chr7-117242894-G-T.
Other names: short protein forms L878F.
Identifiers: ClinVar variation 4868812 (VCV004868812.1).

ClinVar aggregate classification (germline): Uncertain significance (1 of 4 stars; one submission).

Conditions:
Cystic fibrosis (CF). Also called: MUCOVISCIDOSIS. Identifiers: Orphanet 586, MedGen C0010674, MONDO:0009061, OMIM 219700. Disease mechanism: loss of function.

Submission:

Ambry Genetics
Classification: Uncertain significance for Cystic fibrosis. Last evaluated: 2026-05-17. Review status: criteria provided, single submitter. Criteria: Ambry Variant Classification Scheme 2023. Collection method: clinical testing. Allele origin: germline.
Comment: The p.L878F variant (also known as c.2634G>T), located in coding exon 16 of the CFTR gene, results from a G to T substitution at nucleotide position 2634. The leucine at codon 878 is replaced by phenylalanine, an amino acid with highly similar properties. This amino acid position is conserved. In addition, the in silico prediction for this alteration is inconclusive. Based on the available evidence, the clinical significance of this variant remains unclear.